The following is an entry in ClinVar:

NM_000256.3(MYBPC3):c.818G>T (p.Arg273Leu)

Gene: MYBPC3 (myosin binding protein C3; minus strand). Cytogenetic location: 11p11.2.
Variant type: single nucleotide variant.
Coding change: c.818G>T on transcript NM_000256.3 (MANE Select); coding-DNA position 818, G replaced by T.
Protein change: p.Arg273Leu; replaces arginine 273 with leucine.
Molecular consequence: missense variant.
Genome position (GRCh38, 1-based): chr11:47,347,860, C>A on the plus strand (G>T on the coding strand, the complement: MYBPC3 is on the minus strand). VCF-style: chr11-47347860-C-A. GRCh37 (hg19) VCF-style: chr11-47369411-C-A.
Other names: short protein forms R273L.
Identifiers: ClinVar variation 3387142 (VCV003387142.1).
Genomic context (GRCh38, chr11:47,347,860, plus strand): 5'-TGAAGGGCCTCAGACTCCAGCACTGGCCTCCCCCAGGCCCTGAGGATGGCCACTCACGTG[C>A]GGCGGAAGGCTGATAGGAGGTCCAGGTCTCCGGTGCCCATGGCCTCTGGGTTCAAAGGGT-3'
Protein context (NP_000247.2, residues 263-283): GDLDLLSAFR[Arg273Leu]TSLAGGGRRI

ClinVar aggregate classification (germline): Uncertain significance (1 of 4 stars; one submission).

Conditions:
Hypertrophic cardiomyopathy. Also called: HYPERTROPHIC MYOCARDIOPATHY. Identifiers: Orphanet 217569, MedGen C0007194, MeSH D002312, MONDO:0005045, HP:0001639.

gnomAD v4.1: 4 of 1,565,902 alleles (0.00026%); highest among the groups gnomAD compares: Middle Eastern, 0.017%; no homozygotes.

Submission:

All of Us Research Program, National Institutes of Health
Classification: Uncertain significance for Hypertrophic cardiomyopathy. Last evaluated: 2024-04-16. Review status: criteria provided, single submitter. Criteria: ACMG Guidelines, 2015. Collection method: clinical testing. Allele origin: germline. Inheritance: Autosomal dominant inheritance. Observed: 1 variant allele, 1 heterozygote.
Comment: This missense variant replaces arginine with leucine at codon 273 of the MYBPC3 protein. Computational prediction tools indicate that this variant's impact on protein structure and function is inconclusive. To our knowledge, functional studies have not been reported for this variant. This variant has not been reported in individuals affected with MYBPC3-related disorders in the literature. This variant has been identified in 1/174260 chromosomes in the general population by the Genome Aggregation Database (gnomAD). The available evidence is insufficient to determine the role of this variant in disease conclusively. Therefore, this variant is classified as a Variant of Uncertain Significance.

This study involves interpretation of variants in research participants for the purpose of population health screening. Participant phenotype was not available at the time of variant classification. Additional details can be found in publication PMID: 35346344, PMCID: PMC8962531